The following is an entry in ClinVar:

NM_177924.5(ASAH1):c.30CCT[1] (p.Leu12del)

Genes: ASAH1 (N-acylsphingosine amidohydrolase 1; minus strand), LOC129999940 (ATAC-STARR-seq lymphoblastoid silent region 18966; plus strand). Cytogenetic location: 8p22.
Variant type: Microsatellite.
Coding change: c.30CCT[1] on transcript NM_177924.5 (MANE Select); one copy of the 3-base unit CCT starting at c.30; the reference has two copies in a row; one copy, 3 bases deleted.
Protein change: p.Leu12del; deletes leucine 12.
Molecular consequence: inframe deletion. On other transcripts: intron variant (2).
Genome position (GRCh38, 1-based): chr8:18,084,024-18,084,026, AGG deleted on the plus strand (CCT on the coding strand, the reverse complement: ASAH1 is on the minus strand); deleting any 3 consecutive bases within chr8:18,084,024-18,084,030 gives the same sequence; the position shown is the placement nearest the transcript's 3' end. VCF-style (leftmost placement, unchanged base first): chr8-18084023-CAGG-C. GRCh37 (hg19) VCF-style: chr8-17941532-CAGG-C.
Other names: c.126+650_126+652del (NM_004315.6, NM_001127505.3); short protein forms L12del.
Identifiers: ClinVar variation 1464087 (VCV001464087.5), dbSNP rs780009441, ClinGen allele CA4651127.
Genomic context (GRCh38, chr8:18,084,023, plus strand): 5'-CGGCTCAAGCTCACTCACCGGCGGCGCGTGCTGCGCGACGGCACAGCTGACGGCGGCAGC[CAGG>C]AGGACTAAGGCGACGCAACTCCGGCCCGGCATCGCTCTAGCAGCCAACGCCACTCCCCGG-3'

ClinVar aggregate classification (germline): Uncertain significance (1 of 4 stars; one submission).

Submission:

Labcorp Genetics (formerly Invitae), Labcorp
Classification: Uncertain significance. Last evaluated: 2021-09-17. Review status: criteria provided, single submitter. Criteria: Invitae Variant Classification Sherloc (09022015). Collection method: clinical testing. Allele origin: germline.
Comment: This variant, c.33_35del, results in the deletion of 1 amino acid(s) of the ASAH1 protein (p.Leu12del), but otherwise preserves the integrity of the reading frame. This variant is present in population databases (rs780009441, ExAC 0.09%). This variant has not been reported in the literature in individuals with ASAH1-related conditions. Experimental studies and prediction algorithms are not available or were not evaluated, and the functional significance of this variant is currently unknown. In summary, the available evidence is currently insufficient to determine the role of this variant in disease. Therefore, it has been classified as a Variant of Uncertain Significance.